The following is an entry in ClinVar:

NM_000937.5(POLR2A):c.1885G>T (p.Val629Leu)

Gene: POLR2A (RNA polymerase II subunit A; plus strand). Cytogenetic location: 17p13.1.
Variant type: single nucleotide variant.
Coding change: c.1885G>T on transcript NM_000937.5 (MANE Select); coding-DNA position 1885, G replaced by T.
Protein change: p.Val629Leu; replaces valine 629 with leucine.
Molecular consequence: missense variant.
Genome position (GRCh38, 1-based): chr17:7,500,943, G>T. VCF-style: chr17-7500943-G-T. GRCh37 (hg19) VCF-style: chr17-7404262-G-T.
Other names: short protein forms V629L.
Identifiers: ClinVar variation 3363386 (VCV003363386.1).

ClinVar aggregate classification (germline): Uncertain significance (1 of 4 stars; one submission).

Submission:

GeneDx
Classification: Uncertain significance. Last evaluated: 2023-10-25. Review status: criteria provided, single submitter. Criteria: GeneDx Variant Classification Process June 2021. Collection method: clinical testing. Allele origin: germline. Affected: yes.
Comment: Not observed at significant frequency in large population cohorts (gnomAD); In silico analysis supports that this missense variant does not alter protein structure/function; Has not been previously published as pathogenic or benign to our knowledge